The following is an entry in ClinVar:

NM_014491.4(FOXP2):c.777T>A (p.Ala259=)

Gene: FOXP2 (forkhead box P2; plus strand). Cytogenetic location: 7q31.1.
Variant type: single nucleotide variant.
Coding change: c.777T>A on transcript NM_014491.4 (MANE Select); coding-DNA position 777, T replaced by A.
Protein change: p.Ala259=; no amino-acid change (alanine 259 retained).
Molecular consequence: synonymous variant. On other transcripts: non-coding transcript variant (2).
Genome position (GRCh38, 1-based): chr7:114,642,411, T>A. VCF-style: chr7-114642411-T-A. GRCh37 (hg19) VCF-style: chr7-114282466-T-A.
Other names: c.774T>A, p.Ala258= (NM_001172766.3); c.852T>A, p.Ala284= (NM_001172767.2, NM_148898.4); c.777T>A, p.Ala259= (NM_148899.3); c.828T>A, p.Ala276= (NM_148900.4).
Identifiers: ClinVar variation 3371985 (VCV003371985.1).

ClinVar aggregate classification (germline): Uncertain significance (1 of 4 stars; one submission).

gnomAD v4.1: 7 of 1,613,244 alleles (0.00043%); highest among the groups gnomAD compares: Non-Finnish European, 0.00059%; no homozygotes.

Submission:

GeneDx
Classification: Uncertain significance. Last evaluated: 2024-04-02. Review status: criteria provided, single submitter. Criteria: GeneDx Variant Classification Process June 2021. Collection method: clinical testing. Allele origin: germline. Affected: yes.
Comment: Not observed at significant frequency in large population cohorts (gnomAD); In silico analysis supports a deleterious effect on splicing; Has not been previously published as pathogenic or benign to our knowledge